The following is an entry in ClinVar:

NM_000182.5(HADHA):c.12C>T (p.Cys4=)

Genes: HADHA (hydroxyacyl-CoA dehydrogenase trifunctional multienzyme complex subunit alpha; minus strand), HADHB (hydroxyacyl-CoA dehydrogenase trifunctional multienzyme complex subunit beta; plus strand). Cytogenetic location: 2p23.3.
Variant type: single nucleotide variant.
Coding change: c.12C>T on transcript NM_000182.5 (MANE Select); coding-DNA position 12, C replaced by T.
Protein change: p.Cys4=; no amino-acid change (cysteine 4 retained).
Molecular consequence: synonymous variant.
Genome position (GRCh38, 1-based): chr2:26,244,585, G>A on the plus strand (C>T on the coding strand, the complement: HADHA is on the minus strand). VCF-style: chr2-26244585-G-A. GRCh37 (hg19) VCF-style: chr2-26467453-G-A.
Identifiers: ClinVar variation 386921 (VCV000386921.10), dbSNP rs938902936, ClinGen allele CA16604197.

ClinVar aggregate classification (germline): Likely benign. Review status: criteria provided, multiple submitters, no conflicts (2 of 4 stars). 2 submissions from 2 submitters: Likely benign (2). Last evaluated 2026-01-14.

Conditions:
Mitochondrial trifunctional protein deficiency. Identifiers: Orphanet 746, MedGen C1969443, MONDO:0012172.
Long chain 3-hydroxyacyl-CoA dehydrogenase deficiency. Also called: Deficiency of long-chain 3-hydroxyacyl-coenzyme A dehydrogenase; LCHAD Deficiency. Identifiers: Orphanet 5, MedGen C3711645, MONDO:0012173, OMIM 609016.

Allele frequency attached by ClinVar (database versions not stated): gnomAD exomes 0.00001 and 0.00003; TOPMed 0.00002.
gnomAD v4.1: 11 of 1,584,098 alleles (0.00069%); highest among the groups gnomAD compares: Admixed American, 0.014%; no homozygotes.

Submissions (2):

Labcorp Genetics (formerly Invitae), Labcorp
Classification: Likely benign for Mitochondrial trifunctional protein deficiency; Long chain 3-hydroxyacyl-CoA dehydrogenase deficiency. Last evaluated: 2026-01-14. Review status: criteria provided, single submitter. Criteria: Invitae Variant Classification Sherloc (09022015). Collection method: clinical testing. Allele origin: germline.

GeneDx
Classification: Likely benign. Last evaluated: 2016-06-09. Review status: criteria provided, single submitter. Criteria: GeneDx Variant Classification (06012015). Collection method: clinical testing. Allele origin: germline. Affected: yes.
Comment: This variant is considered likely benign or benign based on one or more of the following criteria: it is a conservative change, it occurs at a poorly conserved position in the protein, it is predicted to be benign by multiple in silico algorithms, and/or has population frequency not consistent with disease.